The following is an entry in ClinVar:

NM_024928.5(STN1):c.38C>G (p.Pro13Arg)

Gene: STN1 (STN1 subunit of CST complex; minus strand). Cytogenetic location: 10q24.33.
Variant type: single nucleotide variant.
Coding change: c.38C>G on transcript NM_024928.5 (MANE Select); coding-DNA position 38, C replaced by G.
Protein change: p.Pro13Arg; replaces proline 13 with arginine.
Molecular consequence: missense variant.
Genome position (GRCh38, 1-based): chr10:103,917,557, G>C on the plus strand (C>G on the coding strand, the complement: STN1 is on the minus strand). VCF-style: chr10-103917557-G-C. GRCh37 (hg19) VCF-style: chr10-105677315-G-C.
Other names: short protein forms P13R.
Identifiers: ClinVar variation 4743083 (VCV004743083.1).

ClinVar aggregate classification (germline): Uncertain significance (1 of 4 stars; one submission).

gnomAD v4.1: 2 of 1,614,130 alleles (0.00012%); highest among the groups gnomAD compares: East Asian, 0.0045%; no homozygotes.

Submission:

Labcorp Genetics (formerly Invitae), Labcorp
Classification: Uncertain significance. Last evaluated: 2026-01-20. Review status: criteria provided, single submitter. Criteria: Invitae Variant Classification Sherloc (09022015). Collection method: clinical testing. Allele origin: germline.
Comment: This sequence change replaces proline, which is neutral and non-polar, with arginine, which is basic and polar, at codon 13 of the STN1 protein (p.Pro13Arg). This variant is not present in population databases (gnomAD no frequency). This variant has not been reported in the literature in individuals affected with STN1-related conditions. Invitae Evidence Modeling of protein sequence and biophysical properties (such as structural, functional, and spatial information, amino acid conservation, physicochemical variation, residue mobility, and thermodynamic stability) indicates that this missense variant is expected to disrupt STN1 protein function with a positive predictive value of 80%. In summary, the available evidence is currently insufficient to determine the role of this variant in disease. Therefore, it has been classified as a Variant of Uncertain Significance.